The following is an entry in ClinVar:

NM_006361.6(HOXB13):c.697C>T (p.Arg233Trp)

Gene: HOXB13 (homeobox B13; minus strand). Cytogenetic location: 17q21.32.
Variant type: single nucleotide variant.
Coding change: c.697C>T on transcript NM_006361.6 (MANE Select); coding-DNA position 697, C replaced by T.
Protein change: p.Arg233Trp; replaces arginine 233 with tryptophan.
Molecular consequence: missense variant.
Genome position (GRCh38, 1-based): chr17:48,726,948, G>A on the plus strand (C>T on the coding strand, the complement: HOXB13 is on the minus strand). VCF-style: chr17-48726948-G-A. GRCh37 (hg19) VCF-style: chr17-46804310-G-A.
Other names: c.697C>T (NM_006361.5); short protein forms R233W.
Identifiers: ClinVar variation 1349692 (VCV001349692.9), dbSNP rs778481913, ClinGen allele CA8633926.

ClinVar aggregate classification (germline): Uncertain significance. Review status: criteria provided, multiple submitters, no conflicts (2 of 4 stars). 2 submissions from 2 submitters: Uncertain significance (2). Last evaluated 2025-11-10.

Conditions:
Hereditary cancer-predisposing syndrome. Also called: Hereditary neoplastic syndrome; Tumor predisposition; Neoplastic Syndromes, Hereditary; Hereditary Cancer Syndrome. Identifiers: Orphanet 140162, MedGen C0027672, MeSH D009386, MONDO:0015356.

Allele frequency attached by ClinVar (database versions not stated): gnomAD 0.00001.

Submissions (2):

Labcorp Genetics (formerly Invitae), Labcorp
Classification: Uncertain significance. Last evaluated: 2025-11-10. Review status: criteria provided, single submitter. Criteria: Invitae Variant Classification Sherloc (09022015). Collection method: clinical testing. Allele origin: germline.
Comment: This sequence change replaces arginine, which is basic and polar, with tryptophan, which is neutral and slightly polar, at codon 233 of the HOXB13 protein (p.Arg233Trp). This variant is present in population databases (rs778481913, gnomAD 0.0009%). This variant has not been reported in the literature in individuals affected with HOXB13-related conditions. ClinVar contains an entry for this variant (Variation ID: 1349692). Invitae Evidence Modeling of protein sequence and biophysical properties (such as structural, functional, and spatial information, amino acid conservation, physicochemical variation, residue mobility, and thermodynamic stability) has been performed for this missense variant. However, the output from this modeling did not meet the statistical confidence thresholds required to predict the impact of this variant on HOXB13 protein function. In summary, the available evidence is currently insufficient to determine the role of this variant in disease. Therefore, it has been classified as a Variant of Uncertain Significance.

Ambry Genetics
Classification: Uncertain significance for Hereditary cancer-predisposing syndrome. Last evaluated: 2025-03-12. Review status: criteria provided, single submitter. Criteria: Ambry Variant Classification Scheme 2023. Collection method: clinical testing. Allele origin: germline.
Comment: The p.R233W variant (also known as c.697C>T), located in coding exon 2 of the HOXB13 gene, results from a C to T substitution at nucleotide position 697. The arginine at codon 233 is replaced by tryptophan, an amino acid with dissimilar properties. This amino acid position is not well conserved in available vertebrate species. In addition, the in silico prediction for this alteration is inconclusive. Based on the available evidence, the clinical significance of this variant remains unclear.